The following is an entry in ClinVar:

ClinVar aggregate classification (germline): Uncertain significance (1 of 4 stars; one submission).

Conditions:
Very long chain acyl-CoA dehydrogenase deficiency (ACADVLD). Also called: VLCAD Deficiency; Very Long-Chain Acyl-Coenzyme A Dehydrogenase Deficiency. Identifiers: Orphanet 26793, MedGen C3887523, MONDO:0008723, OMIM 201475.

Allele frequency attached by ClinVar (database versions not stated): gnomAD exomes below 0.00001; ExAC 0.00001; gnomAD 0.00001.
gnomAD v4.1: 4 of 1,604,956 alleles (0.00025%); highest among the groups gnomAD compares: East Asian, 0.0022%; no homozygotes.

Submission:

Labcorp Genetics (formerly Invitae), Labcorp
Classification: Uncertain significance for Very long chain acyl-CoA dehydrogenase deficiency. Last evaluated: 2021-11-18. Review status: criteria provided, single submitter. Criteria: Invitae Variant Classification Sherloc (09022015). Collection method: clinical testing. Allele origin: germline.
Comment: This sequence change replaces arginine, which is basic and polar, with tryptophan, which is neutral and slightly polar, at codon 12 of the ACADVL protein (p.Arg12Trp). This variant is present in population databases (rs769290349, gnomAD 0.005%). This variant has not been reported in the literature in individuals affected with ACADVL-related conditions. Algorithms developed to predict the effect of missense changes on protein structure and function are either unavailable or do not agree on the potential impact of this missense change (SIFT: "Deleterious"; PolyPhen-2: "Not Available"; Align-GVGD: "Class C0"). In summary, the available evidence is currently insufficient to determine the role of this variant in disease. Therefore, it has been classified as a Variant of Uncertain Significance.

NM_000018.4(ACADVL):c.34C>T (p.Arg12Trp)

Genes: ACADVL (acyl-CoA dehydrogenase very long chain; plus strand), DLG4 (discs large MAGUK scaffold protein 4; minus strand). Cytogenetic location: 17p13.1.
Variant type: single nucleotide variant.
Coding change: c.34C>T on transcript NM_000018.4 (MANE Select); coding-DNA position 34, C replaced by T.
Protein change: p.Arg12Trp; replaces arginine 12 with tryptophan.
Molecular consequence: missense variant. On other transcripts: 5 prime UTR variant (2), non-coding transcript variant (1), intron variant (1).
Genome position (GRCh38, 1-based): chr17:7,220,018, C>T. VCF-style: chr17-7220018-C-T. GRCh37 (hg19) VCF-style: chr17-7123337-C-T.
Other names: c.-1169G>A (NM_001321074.1); c.34C>T, p.Arg12Trp (NM_001033859.3); c.-270C>T (NM_001270448.2); c.132-104C>T (NM_001270447.2); short protein forms R12W.
Identifiers: ClinVar variation 1412508 (VCV001412508.4), dbSNP rs769290349, ClinGen allele CA8337512.
Genomic context (GRCh38, chr17:7,220,018, plus strand): 5'-GCCAGCGGCGCCCGGAGAGATTCGGAGATGCAGGCGGCTCGGATGGCCGCGAGCTTGGGG[C>T]GGCAGCTGCTGAGGCTCGGGGGCGGAAGGTCTGTGTGTGACAAGAGGGACGGTGGGCAGC-3'
Protein context (NP_000009.1, residues 2-22): QAARMAASLG[Arg12Trp]QLLRLGGGSS